The following is an entry in ClinVar:

ClinVar aggregate classification (germline): Benign/Likely benign. Review status: criteria provided, multiple submitters, no conflicts (2 of 4 stars). 9 submissions from 9 submitters: Benign (8); Likely benign (1). Last evaluated 2026-09-01.

Conditions:
Erythrocytosis, familial, 3 (ECYT3). Identifiers: Orphanet 247511, MedGen C1853286, MONDO:0012353, OMIM 609820.

Allele frequency attached by ClinVar (database versions not stated): 1000 Genomes Project 30x 0.00609; 1000 Genomes Project 0.00659; TOPMed 0.01448; ESP Exome Variant Server 0.01570; gnomAD 0.01753 and 0.01830.
gnomAD v4.1: 39,456 of 1,586,690 alleles (2.5%); highest among the groups gnomAD compares: Non-Finnish European, 3%; 650 homozygotes.

Submissions (9):

CeGaT Center for Human Genetics Tuebingen
Classification: Benign. Last evaluated: 2026-09-01. Review status: criteria provided, single submitter. Criteria: CeGaT Center For Human Genetics Tuebingen Variant Classification Criteria Version 2. Collection method: clinical testing. Allele origin: germline. Affected: yes. Observed: 223 variant alleles.
Comment: EGLN1: BS1, BS2

Labcorp Genetics (formerly Invitae), Labcorp
Classification: Benign for Erythrocytosis, familial, 3. Last evaluated: 2026-02-03. Review status: criteria provided, single submitter. Criteria: Invitae Variant Classification Sherloc (09022015). Collection method: clinical testing. Allele origin: germline.

Dasa
Classification: Benign. Last evaluated: 2025-12-01. Review status: criteria provided, single submitter. Criteria: DASA Assertion Criteria. Collection method: clinical testing. Allele origin: germline.
Comment: NM_022051.3(EGLN1):c.471G>C (p.Gln157His) is interpreted as benign based on a combination of available evidence, which may include population frequency, observations in unaffected individuals, intact protein function, lack of segregation with disease, in silico models, amino acid conservation, lack of disease association in case-control studies, and/or inconsistency with the known disease mechanism or impacted region. Based on the available data, this variant is classified as benign.

Mayo Clinic Laboratories, Mayo Clinic
Classification: Likely benign. Last evaluated: 2025-11-04. Review status: criteria provided, single submitter. Criteria: ACMG Guidelines, 2015. Collection method: clinical testing. Allele origin: germline. Observed: 12 variant alleles.

Center for Genomic Medicine, Rigshospitalet, Copenhagen University Hospital
Classification: Benign. Last evaluated: 2025-03-04. Review status: criteria provided, single submitter. Criteria: ACMG Guidelines, 2015. Collection method: clinical testing. Allele origin: germline.

ARUP Laboratories, Molecular Genetics and Genomics, ARUP Laboratories
Classification: Benign. Last evaluated: 2025-02-28. Review status: criteria provided, single submitter. Criteria: ARUP Molecular Germline Variant Investigation Process 2024. Collection method: clinical testing. Allele origin: germline.

Ambry Genetics
Classification: Benign. Last evaluated: 2020-07-28. Review status: criteria provided, single submitter. Criteria: Ambry Variant Classification Scheme 2023. Collection method: clinical testing. Allele origin: germline.

Illumina Laboratory Services, Illumina
Classification: Benign for Erythrocytosis, familial, 3. Last evaluated: 2018-03-06. Review status: criteria provided, single submitter. Criteria: ICSL Variant Classification Criteria 13 December 2019. Collection method: clinical testing. Allele origin: germline.
Comment: This variant was observed in the ICSL laboratory as part of a predisposition screen in an ostensibly healthy population. It had not been previously curated by ICSL or reported in the Human Gene Mutation Database (HGMD: prior to June 1st, 2018), and was therefore a candidate for classification through an automated scoring system. Utilizing variant allele frequency, disease prevalence and penetrance estimates, and inheritance mode, an automated score was calculated to assess if this variant is too frequent to cause the disease. Based on the score and internal cut-off values, a variant classified as benign is not then subjected to further curation. The score for this variant resulted in a classification of benign for this disease.

Breakthrough Genomics
Classification: Benign. Review status: criteria provided, single submitter. Criteria: ACMG Guidelines, 2015. Collection method: not provided. Allele origin: germline. Inheritance: Autosomal dominant inheritance. Affected: yes.

NM_022051.3(EGLN1):c.471G>C (p.Gln157His)

Gene: EGLN1 (egl-9 family hypoxia inducible factor 1; minus strand). Cytogenetic location: 1q42.2.
Variant type: single nucleotide variant.
Coding change: c.471G>C on transcript NM_022051.3 (MANE Select); coding-DNA position 471, G replaced by C.
Protein change: p.Gln157His; replaces glutamine 157 with histidine.
Molecular consequence: missense variant.
Genome position (GRCh38, 1-based): chr1:231,421,418, C>G on the plus strand (G>C on the coding strand, the complement: EGLN1 is on the minus strand). VCF-style: chr1-231421418-C-G. GRCh37 (hg19) VCF-style: chr1-231557164-C-G.
Other names: p.Gln157His; c.471G>C, p.Gln157His (NM_001377260.1, NM_001377261.1); short protein forms Q157H.
Identifiers: ClinVar variation 241417 (VCV000241417.55), dbSNP rs61750991, ClinGen allele CA1453175.
Genomic context (GRCh38, chr1:231,421,418, plus strand): 5'-GCCGCCGGGGCTCAGCGCATCCCCGGGCGTGTTGCTTGGGGGGTACAGGTTCGCCTTCTC[C>G]TGGAACAGCGATGAGCGGGCCGGCGGCTCCTCCTTGCCGGGCTCGGCTTCGGCAGCCACC-3'
Protein context (NP_071334.1, residues 147-167): EEPPARSSLF[Gln157His]EKANLYPPSN